The following is an entry in ClinVar:

ClinVar aggregate classification (germline): Pathogenic (1 of 4 stars; one submission).

Submission:

Labcorp Genetics (formerly Invitae), Labcorp
Classification: Pathogenic. Last evaluated: 2023-10-15. Review status: criteria provided, single submitter. Criteria: Invitae Variant Classification Sherloc (09022015). Collection method: clinical testing. Allele origin: germline.
Comment: This sequence change creates a premature translational stop signal (p.Arg951Glufs*10) in the LRP2 gene. It is expected to result in an absent or disrupted protein product. Loss-of-function variants in LRP2 are known to be pathogenic (PMID: 17632512, 25682901). This variant is not present in population databases (gnomAD no frequency). This variant has not been reported in the literature in individuals affected with LRP2-related conditions. For these reasons, this variant has been classified as Pathogenic.

Literature cited by the submitters: PubMed 17632512; PubMed 25682901.

NM_004525.3(LRP2):c.2851del (p.Arg951fs)

Gene: LRP2 (LDL receptor related protein 2; minus strand). Cytogenetic location: 2q31.1.
Variant type: Deletion.
Coding change: c.2851del on transcript NM_004525.3 (MANE Select); coding-DNA position 2851, one base deleted (C; older notation c.2851delC).
Protein change: p.Arg951fs; shifts the reading frame from arginine 951.
Molecular consequence: frameshift variant.
Genome position (GRCh38, 1-based): chr2:169,247,435, G deleted on the plus strand (C on the coding strand, the reverse complement: LRP2 is on the minus strand); the first of 2 consecutive G bases (chr2:169,247,435-169,247,436); deleting either gives the same sequence. VCF-style (leftmost placement, unchanged base first): chr2-169247434-CG-C. GRCh37 (hg19) VCF-style: chr2-170103944-CG-C.
Other names: short protein forms R951fs.
Identifiers: ClinVar variation 2827093 (VCV002827093.3), dbSNP rs2528401443, ClinGen allele CA2739271589.